The following is an entry in ClinVar:

ClinVar aggregate classification (germline): Uncertain significance. Review status: criteria provided, multiple submitters, no conflicts (2 of 4 stars). 2 submissions from 2 submitters: Uncertain significance (2). Last evaluated 2024-01-05.

Conditions:
Hypertrophic cardiomyopathy. Also called: HYPERTROPHIC MYOCARDIOPATHY. Identifiers: Orphanet 217569, MedGen C0007194, MeSH D002312, MONDO:0005045, HP:0001639.

Submissions (2):

Labcorp Genetics (formerly Invitae), Labcorp
Classification: Uncertain significance for Hypertrophic cardiomyopathy. Last evaluated: 2024-01-05. Review status: criteria provided, single submitter. Criteria: Invitae Variant Classification Sherloc (09022015). Collection method: clinical testing. Allele origin: germline.
Comment: This sequence change replaces glycine, which is neutral and non-polar, with serine, which is neutral and polar, at codon 701 of the MYH7 protein (p.Gly701Ser). This variant is not present in population databases (gnomAD no frequency). This missense change has been observed in individual(s) with hypertrophic cardiomyopathy (PMID: 27532257). ClinVar contains an entry for this variant (Variation ID: 42879). Advanced modeling of protein sequence and biophysical properties (such as structural, functional, and spatial information, amino acid conservation, physicochemical variation, residue mobility, and thermodynamic stability) performed at Invitae indicates that this missense variant is expected to disrupt MYH7 protein function with a positive predictive value of 95%. In summary, the available evidence is currently insufficient to determine the role of this variant in disease. Therefore, it has been classified as a Variant of Uncertain Significance.

Laboratory for Molecular Medicine, Mass General Brigham Personalized Medicine
Classification: Uncertain significance for Hypertrophic cardiomyopathy. Last evaluated: 2019-07-30. Review status: criteria provided, single submitter. Criteria: ACMG Guidelines, 2015. Collection method: clinical testing. Allele origin: germline.
Comment: The Gly701Ser variant in MYH7 has not been reported in the literature nor previously identified by our laboratory. This variant has also not been identified in large and broad European American and African American populations by the NHLBI Exome Sequencing Project, though it is not possible to assess the frequency of this variant for other populations. Glycine (Gly) at position 701 is highly conserved in mammals and across evolutionarily distant species and the change to serine (Ser) was predicted to be pathogenic using a computational tool clinically validated by our laboratory. This tool's pathogenic prediction is estimated to be correct 94% of the time (Jordan 2011). In summary, the available data supports that the Gly701Ser variant may be pathogenic, but additional studies are needed to fully assess its clinical significance.

Literature cited by the submitters: PubMed 27532257 (cited by Labcorp Genetics (formerly Invitae), Labcorp).

NM_000257.4(MYH7):c.2101G>A (p.Gly701Ser)

Gene: MYH7 (myosin heavy chain 7; minus strand). Cytogenetic location: 14q11.2.
Variant type: single nucleotide variant.
Coding change: c.2101G>A on transcript NM_000257.4 (MANE Select); coding-DNA position 2101, G replaced by A.
Protein change: p.Gly701Ser; replaces glycine 701 with serine.
Molecular consequence: missense variant.
Genome position (GRCh38, 1-based): chr14:23,426,025, C>T on the plus strand (G>A on the coding strand, the complement: MYH7 is on the minus strand). VCF-style: chr14-23426025-C-T. GRCh37 (hg19) VCF-style: chr14-23895234-C-T.
Other names: short protein forms G701S.
Identifiers: ClinVar variation 42879 (VCV000042879.11), dbSNP rs397516131, ClinGen allele CA011689.